The following is an entry in ClinVar:

ClinVar aggregate classification (germline): Uncertain significance (1 of 4 stars; one submission).

Submission:

GeneDx
Classification: Uncertain significance. Last evaluated: 2016-11-30. Review status: criteria provided, single submitter. Criteria: GeneDx Variant Classification (06012015). Collection method: clinical testing. Allele origin: germline. Affected: yes.
Comment: The D993Y variant in the CHD7 gene has not been reported previously as a pathogenic variant, nor as a benign variant, to our knowledge. The D993Y variant was not observed in approximately 5,900 individuals of European and African American ancestry in the NHLBI Exome Sequencing Project, indicating it is not a common benign variant in these populations. The D993Y variant is a non-conservative amino acid substitution, which is likely to impact secondary protein structure as these residues differ in polarity, charge, size and/or other properties. This substitution occurs at a position that is conserved across species. In silico analysis predicts this variant is probably damaging to the protein structure/function. We interpret D993Y as a variant of uncertain significance.

NM_017780.4(CHD7):c.2977G>T (p.Asp993Tyr)

Gene: CHD7 (chromodomain helicase DNA binding protein 7; plus strand). Cytogenetic location: 8q12.2.
Variant type: single nucleotide variant.
Coding change: c.2977G>T on transcript NM_017780.4 (MANE Select); coding-DNA position 2977, G replaced by T.
Protein change: p.Asp993Tyr; replaces aspartic acid 993 with tyrosine.
Molecular consequence: missense variant. On other transcripts: intron variant (1).
Genome position (GRCh38, 1-based): chr8:60,822,522, G>T. VCF-style: chr8-60822522-G-T. GRCh37 (hg19) VCF-style: chr8-61735081-G-T.
Other names: c.1717-39707G>T (NM_001316690.1); c.2977G>T (LRG_176t1); short protein forms D993Y.
Identifiers: ClinVar variation 373115 (VCV000373115.1), dbSNP rs1057518227, ClinGen allele CA16042730.